The following is an entry in ClinVar:

NM_000260.4(MYO7A):c.6348_6352dup (p.Lys2118delinsArgTer)

Gene: MYO7A (myosin VIIA; plus strand). Cytogenetic location: 11q13.5.
Variant type: Duplication.
Coding change: c.6348_6352dup on transcript NM_000260.4 (MANE Select); coding-DNA positions 6348 to 6352, 5 bases duplicated (GGTGA; older notation c.6348_6352dupGGTGA).
Protein change: p.Lys2118delinsArgTer.
Molecular consequence: nonsense. On other transcripts: splice donor variant (1).
Genome position (GRCh38, 1-based): chr11:77,211,931-77,211,935, GGTGA duplicated; duplicating any 5 consecutive bases within chr11:77,211,929-77,211,935 gives the same sequence; the c. name uses the placement nearest the transcript's 3' end. VCF-style (leftmost placement, unchanged base first): chr11-77211928-C-CGAGGT. GRCh37 (hg19) VCF-style: chr11-76922973-C-CGAGGT.
Other names: c.6201_6205dup, p.Lys2069delinsArgTer (NM_001369365.1); c.6234_6234+4dup (NM_001127180.2).
Identifiers: ClinVar variation 1070839 (VCV001070839.7), dbSNP rs2135791384, ClinGen allele CA2499221346.

ClinVar aggregate classification (germline): Pathogenic (1 of 4 stars; one submission).

Submission:

Labcorp Genetics (formerly Invitae), Labcorp
Classification: Pathogenic. Last evaluated: 2020-10-26. Review status: criteria provided, single submitter. Criteria: Invitae Variant Classification Sherloc (09022015). Collection method: clinical testing. Allele origin: germline.
Comment: For these reasons, this variant has been classified as Pathogenic. Algorithms developed to predict the effect of sequence changes on RNA splicing suggest that this variant may create or strengthen a splice site, but this prediction has not been confirmed by published transcriptional studies. This variant has not been reported in the literature in individuals with MYO7A-related conditions. This variant is not present in population databases (ExAC no frequency). This sequence change creates a premature translational stop signal (p.Lys2118Argfs*2) in the MYO7A gene. It is expected to result in an absent or disrupted protein product. Loss-of-function variants in MYO7A are known to be pathogenic (PMID: 8900236, 25404053).

Literature cited by the submitters: PubMed 8900236; PubMed 25404053.